The following is an entry in ClinVar:

ClinVar aggregate classification (germline): Pathogenic/Likely pathogenic. Review status: criteria provided, multiple submitters, no conflicts (2 of 4 stars). 5 submissions from 5 submitters: Pathogenic (4); Likely pathogenic (1). Last evaluated 2025-09-28.

Conditions:
Familial cancer of breast. Also called: BREAST CANCER, FAMILIAL; Hereditary breast cancer; hereditary breast carcinoma. Identifiers: Orphanet 227535, MedGen C0346153, MONDO:0016419, OMIM 114480. Disease mechanism: loss of function.
Hereditary cancer-predisposing syndrome. Also called: Hereditary Cancer Syndrome; Neoplastic Syndromes, Hereditary; Tumor predisposition; Hereditary neoplastic syndrome. Identifiers: Orphanet 140162, MedGen C0027672, MeSH D009386, MONDO:0015356.

Submissions (5):

Labcorp Genetics (formerly Invitae), Labcorp
Classification: Pathogenic for Familial cancer of breast. Last evaluated: 2025-09-28. Review status: criteria provided, single submitter. Criteria: Invitae Variant Classification Sherloc (09022015). Collection method: clinical testing. Allele origin: germline.
Comment: This sequence change creates a premature translational stop signal (p.Gln988Serfs*22) in the PALB2 gene. It is expected to result in an absent or disrupted protein product. Loss-of-function variants in PALB2 are known to be pathogenic (PMID: 17200668, 17200671, 17200672, 24136930, 25099575). This variant is not present in population databases (gnomAD no frequency). This variant has not been reported in the literature in individuals affected with PALB2-related conditions. ClinVar contains an entry for this variant (Variation ID: 480247). For these reasons, this variant has been classified as Pathogenic.

GeneDx
Classification: Pathogenic. Last evaluated: 2025-04-08. Review status: criteria provided, single submitter. Criteria: GeneDx Variant Classification Process June 2021. Collection method: clinical testing. Allele origin: germline. Affected: yes.
Comment: Truncating variants in this gene are considered pathogenic by a well-established clinical consortium and/or database; Frameshift variant predicted to result in protein truncation or nonsense mediated decay in a gene for which loss of function is a known mechanism of disease; Not observed at significant frequency in large population cohorts (gnomAD); Has not been previously published as pathogenic or benign to our knowledge

Ambry Genetics
Classification: Pathogenic for Hereditary cancer-predisposing syndrome. Last evaluated: 2024-09-23. Review status: criteria provided, single submitter. Criteria: Ambry Variant Classification Scheme 2023. Collection method: clinical testing. Allele origin: germline.
Comment: The c.2962_2963delCA pathogenic mutation, located in coding exon 9 of the PALB2 gene, results from a deletion of two nucleotides at nucleotide positions 2962 to 2963, causing a translational frameshift with a predicted alternate stop codon (p.Q988Sfs*22). This variant is considered to be rare based on population cohorts in the Genome Aggregation Database (gnomAD). This alteration is expected to result in loss of function by premature protein truncation or nonsense-mediated mRNA decay. As such, this alteration is interpreted as a disease-causing mutation.

Myriad Genetics, Inc.
Classification: Pathogenic for Familial cancer of breast. Last evaluated: 2023-09-14. Review status: criteria provided, single submitter. Criteria: Myriad Autosomal Dominant, Autosomal Recessive and X-Linked Classification Criteria (2023). Collection method: clinical testing. Allele origin: unknown.
Comment: This variant is considered pathogenic. This variant creates a frameshift predicted to result in premature protein truncation.

Baylor Genetics
Classification: Likely pathogenic for Familial cancer of breast. Last evaluated: 2023-04-21. Review status: criteria provided, single submitter. Criteria: ACMG Guidelines, 2015. Collection method: clinical testing. Allele origin: unknown.

Literature cited by the submitters: PubMed 17200668 (cited by Labcorp Genetics (formerly Invitae), Labcorp); PubMed 17200671 (cited by Labcorp Genetics (formerly Invitae), Labcorp); PubMed 17200672 (cited by Labcorp Genetics (formerly Invitae), Labcorp); PubMed 24136930 (cited by Labcorp Genetics (formerly Invitae), Labcorp); PubMed 25099575 (cited by Labcorp Genetics (formerly Invitae), Labcorp).

NM_024675.4(PALB2):c.2962_2963del (p.Gln988fs)

Gene: PALB2 (partner and localizer of BRCA2; minus strand). Cytogenetic location: 16p12.2.
Variant type: Deletion.
Coding change: c.2962_2963del on transcript NM_024675.4 (MANE Select); coding-DNA positions 2962 to 2963, 2 bases deleted (CA; older notation c.2962_2963delCA).
Protein change: p.Gln988fs; shifts the reading frame from glutamine 988.
Molecular consequence: frameshift variant.
Genome position (GRCh38, 1-based): chr16:23,623,002-23,623,003, TG deleted on the plus strand (CA on the coding strand, the reverse complement: PALB2 is on the minus strand); deleting any 2 consecutive bases within chr16:23,623,002-23,623,004 gives the same sequence; the c. name uses the placement nearest the transcript's 3' end. VCF-style (leftmost placement, unchanged base first): chr16-23623001-TTG-T. GRCh37 (hg19) VCF-style: chr16-23634322-TTG-T.
Other names: c.2962_2963delCA (NM_024675.3); c.2962_2963del (NM_024675.3); short protein forms Q988fs.
Identifiers: ClinVar variation 480247 (VCV000480247.11), dbSNP rs1555459528, ClinGen allele CA658658395.